The following is an entry in ClinVar:

NM_002292.4(LAMB2):c.4306C>T (p.Arg1436Cys)

Gene: LAMB2 (laminin subunit beta 2; minus strand). Cytogenetic location: 3p21.31.
Variant type: single nucleotide variant.
Coding change: c.4306C>T on transcript NM_002292.4 (MANE Select); coding-DNA position 4306, C replaced by T.
Protein change: p.Arg1436Cys; replaces arginine 1436 with cysteine.
Molecular consequence: missense variant.
Genome position (GRCh38, 1-based): chr3:49,122,971, G>A on the plus strand (C>T on the coding strand, the complement: LAMB2 is on the minus strand). VCF-style: chr3-49122971-G-A. GRCh37 (hg19) VCF-style: chr3-49160404-G-A.
Other names: c.4306C>T (NM_002292.3); short protein forms R1436C.
Identifiers: ClinVar variation 1410518 (VCV001410518.8), dbSNP rs200127858, ClinGen allele CA2393814.

ClinVar aggregate classification (germline): Uncertain significance. Review status: criteria provided, multiple submitters, no conflicts (2 of 4 stars). 4 submissions from 4 submitters: Uncertain significance (4). Last evaluated 2024-11-07.

Conditions:
LAMB2-related infantile-onset nephrotic syndrome. Also called: Nephrotic Syndrome, type 5; NEPHROTIC SYNDROME, TYPE 5, WITHOUT OCULAR ABNORMALITIES; NEPHROTIC SYNDROME, TYPE 5, WITH OCULAR ABNORMALITIES. Identifiers: Orphanet 306507, MedGen C3280113, MONDO:0013621, OMIM 614199.
Pierson syndrome. Also called: MICROCORIA-CONGENITAL NEPHROTIC SYNDROME. Identifiers: Orphanet 2670, MedGen C1836876, MONDO:0012184, OMIM 609049.
Inborn genetic diseases. Identifiers: MedGen C0950123, MeSH D030342.

Allele frequency attached by ClinVar (database versions not stated): ExAC 0.00003; gnomAD exomes 0.00004; ESP Exome Variant Server 0.00008; TOPMed 0.00011; gnomAD 0.00016 and 0.00019.

Submissions (4):

Ambry Genetics
Classification: Uncertain significance for Inborn genetic diseases. Last evaluated: 2024-11-07. Review status: criteria provided, single submitter. Criteria: Ambry Variant Classification Scheme 2023. Collection method: clinical testing. Allele origin: germline.

Labcorp Genetics (formerly Invitae), Labcorp
Classification: Uncertain significance for LAMB2-related infantile-onset nephrotic syndrome; Pierson syndrome. Last evaluated: 2022-05-17. Review status: criteria provided, single submitter. Criteria: Invitae Variant Classification Sherloc (09022015). Collection method: clinical testing. Allele origin: germline.
Comment: This sequence change replaces arginine, which is basic and polar, with cysteine, which is neutral and slightly polar, at codon 1436 of the LAMB2 protein (p.Arg1436Cys). This variant is present in population databases (rs200127858, gnomAD 0.03%). This variant has not been reported in the literature in individuals affected with LAMB2-related conditions. Algorithms developed to predict the effect of missense changes on protein structure and function (SIFT, PolyPhen-2, Align-GVGD) all suggest that this variant is likely to be disruptive. In summary, the available evidence is currently insufficient to determine the role of this variant in disease. Therefore, it has been classified as a Variant of Uncertain Significance.

Fulgent Genetics
Classification: Uncertain significance for Pierson syndrome; LAMB2-related infantile-onset nephrotic syndrome. Last evaluated: 2022-03-02. Review status: criteria provided, single submitter. Criteria: ACMG Guidelines, 2015. Collection method: clinical testing. Allele origin: unknown.

Blueprint Genetics
Classification: Uncertain significance. Last evaluated: 2021-07-28. Review status: criteria provided, single submitter. Criteria: ACMG Guidelines, 2015. Collection method: clinical testing. Allele origin: germline.